The following is an entry in ClinVar:

ClinVar aggregate classification (germline): Uncertain significance (1 of 4 stars; one submission).

Allele frequency attached by ClinVar (database versions not stated): gnomAD 0.00001.
gnomAD v4.1: 3 of 1,614,058 alleles (0.00019%); highest among the groups gnomAD compares: Non-Finnish European, 0.00025%; no homozygotes.

Submission:

Labcorp Genetics (formerly Invitae), Labcorp
Classification: Uncertain significance. Last evaluated: 2025-06-02. Review status: criteria provided, single submitter. Criteria: Invitae Variant Classification Sherloc (09022015). Collection method: clinical testing. Allele origin: germline.
Comment: This sequence change replaces glycine, which is neutral and non-polar, with alanine, which is neutral and non-polar, at codon 68 of the DHX38 protein (p.Gly68Ala). This variant is not present in population databases (gnomAD no frequency). This variant has not been reported in the literature in individuals affected with DHX38-related conditions. ClinVar contains an entry for this variant (Variation ID: 1014484). An algorithm developed to predict the effect of missense changes on protein structure and function (PolyPhen-2) suggests that this variant is likely to be tolerated. In summary, the available evidence is currently insufficient to determine the role of this variant in disease. Therefore, it has been classified as a Variant of Uncertain Significance.

NM_014003.4(DHX38):c.203G>C (p.Gly68Ala)

Gene: DHX38 (DEAH-box helicase 38; plus strand). Cytogenetic location: 16q22.2.
Variant type: single nucleotide variant.
Coding change: c.203G>C on transcript NM_014003.4 (MANE Select); coding-DNA position 203, G replaced by C.
Protein change: p.Gly68Ala; replaces glycine 68 with alanine.
Molecular consequence: missense variant.
Genome position (GRCh38, 1-based): chr16:72,096,360, G>C. VCF-style: chr16-72096360-G-C. GRCh37 (hg19) VCF-style: chr16-72130259-G-C.
Other names: short protein forms G68A.
Identifiers: ClinVar variation 1014484 (VCV001014484.10), dbSNP rs2042018268, ClinGen allele CA396699904.